The following is an entry in ClinVar:

NM_004239.4(TRIP11):c.*1744G>A

Gene: TRIP11 (thyroid hormone receptor interactor 11; minus strand). Cytogenetic location: 14q32.12.
Variant type: single nucleotide variant.
Coding change: c.*1744G>A on transcript NM_004239.4 (MANE Select); 1744 bases downstream of the stop codon, G replaced by A.
Molecular consequence: 3 prime UTR variant.
Genome position (GRCh38, 1-based): chr14:91,967,929, C>T on the plus strand (G>A on the coding strand, the complement: TRIP11 is on the minus strand). VCF-style: chr14-91967929-C-T. GRCh37 (hg19) VCF-style: chr14-92434273-C-T.
Other names: c.*1744G>A (NM_001321851.1).
Identifiers: ClinVar variation 314894 (VCV000314894.6), dbSNP rs11848512, ClinGen allele CA10646559.

ClinVar aggregate classification (germline): Benign. Review status: criteria provided, multiple submitters, no conflicts (2 of 4 stars). 2 submissions from 2 submitters: Benign (2). Last evaluated 2018-01-12.

Conditions:
Achondrogenesis, type IA (ACG1A). Identifiers: Orphanet 932, Orphanet 93299, MedGen C0265273, MONDO:0008701, OMIM 200600.

Allele frequency attached by ClinVar (database versions not stated): gnomAD exomes 0.00817; gnomAD 0.03700 and 0.03789; TOPMed 0.04124; 1000 Genomes Project 0.05431; 1000 Genomes Project 30x 0.05450.
gnomAD v4.1: 6,015 of 200,694 alleles (3%); highest among the groups gnomAD compares: African/African-American, 12%; 311 homozygotes.

Submissions (2):

Illumina Laboratory Services, Illumina
Classification: Benign for Achondrogenesis, type IA. Last evaluated: 2018-01-12. Review status: criteria provided, single submitter. Criteria: ICSL Variant Classification Criteria 13 December 2019. Collection method: clinical testing. Allele origin: germline.
Comment: This variant was observed in the ICSL laboratory as part of a predisposition screen in an ostensibly healthy population. It had not been previously curated by ICSL or reported in the Human Gene Mutation Database (HGMD: prior to June 1st, 2018), and was therefore a candidate for classification through an automated scoring system. Utilizing variant allele frequency, disease prevalence and penetrance estimates, and inheritance mode, an automated score was calculated to assess if this variant is too frequent to cause the disease. Based on the score and internal cut-off values, a variant classified as benign is not then subjected to further curation. The score for this variant resulted in a classification of benign for this disease.

Breakthrough Genomics
Classification: Benign. Review status: criteria provided, single submitter. Criteria: ACMG Guidelines, 2015. Collection method: not provided. Allele origin: germline. Inheritance: Autosomal recessive inheritance. Affected: yes.